The following is an entry in ClinVar:

ClinVar aggregate classification (germline): Uncertain significance (1 of 4 stars; one submission).

Submission:

Labcorp Genetics (formerly Invitae), Labcorp
Classification: Uncertain significance. Last evaluated: 2021-11-19. Review status: criteria provided, single submitter. Criteria: Invitae Variant Classification Sherloc (09022015). Collection method: clinical testing. Allele origin: germline.
Comment: In summary, the available evidence is currently insufficient to determine the role of this variant in disease. Therefore, it has been classified as a Variant of Uncertain Significance. Advanced modeling of protein sequence and biophysical properties (such as structural, functional, and spatial information, amino acid conservation, physicochemical variation, residue mobility, and thermodynamic stability) performed at Invitae indicates that this missense variant is not expected to disrupt MYO7A protein function. This variant has not been reported in the literature in individuals affected with MYO7A-related conditions. This variant is not present in population databases (gnomAD no frequency). This sequence change replaces aspartic acid, which is acidic and polar, with asparagine, which is neutral and polar, at codon 1145 of the MYO7A protein (p.Asp1145Asn).

NM_000260.4(MYO7A):c.3433G>A (p.Asp1145Asn)

Gene: MYO7A (myosin VIIA; plus strand). Cytogenetic location: 11q13.5.
Variant type: single nucleotide variant.
Coding change: c.3433G>A on transcript NM_000260.4 (MANE Select); coding-DNA position 3433, G replaced by A.
Protein change: p.Asp1145Asn; replaces aspartic acid 1145 with asparagine.
Molecular consequence: missense variant.
Genome position (GRCh38, 1-based): chr11:77,184,645, G>A. VCF-style: chr11-77184645-G-A. GRCh37 (hg19) VCF-style: chr11-76895690-G-A.
Other names: c.3433G>A, p.Asp1145Asn (NM_001127180.2); c.3400G>A, p.Asp1134Asn (NM_001369365.1); short protein forms D1134N, D1145N.
Identifiers: ClinVar variation 1474563 (VCV001474563.6), dbSNP rs2135517721, ClinGen allele CA381946023.